The following is an entry in ClinVar:

ClinVar aggregate classification (germline): Uncertain significance (1 of 4 stars; one submission).

Conditions:
Progressive familial heart block type IB (PFHB1B). Identifiers: Orphanet 871, MedGen C1970298, MONDO:0011474, OMIM 604559.

Submission:

Labcorp Genetics (formerly Invitae), Labcorp
Classification: Uncertain significance for Progressive familial heart block type IB. Last evaluated: 2022-09-17. Review status: criteria provided, single submitter. Criteria: Invitae Variant Classification Sherloc (09022015). Collection method: clinical testing. Allele origin: germline.
Comment: Algorithms developed to predict the effect of missense changes on protein structure and function are either unavailable or do not agree on the potential impact of this missense change (SIFT: "Deleterious"; PolyPhen-2: "Probably Damaging"; Align-GVGD: "Class C0"). This variant has not been reported in the literature in individuals affected with TRPM4-related conditions. This variant is not present in population databases (gnomAD no frequency). This sequence change replaces valine, which is neutral and non-polar, with alanine, which is neutral and non-polar, at codon 946 of the TRPM4 protein (p.Val946Ala). In summary, the available evidence is currently insufficient to determine the role of this variant in disease. Therefore, it has been classified as a Variant of Uncertain Significance.

NM_017636.4(TRPM4):c.2837T>C (p.Val946Ala)

Gene: TRPM4 (transient receptor potential cation channel subfamily M member 4; plus strand). Cytogenetic location: 19q13.33.
Variant type: single nucleotide variant.
Coding change: c.2837T>C on transcript NM_017636.4 (MANE Select); coding-DNA position 2837, T replaced by C.
Protein change: p.Val946Ala; replaces valine 946 with alanine.
Molecular consequence: missense variant.
Genome position (GRCh38, 1-based): chr19:49,200,669, T>C. VCF-style: chr19-49200669-T-C. GRCh37 (hg19) VCF-style: chr19-49703926-T-C.
Other names: c.2402T>C, p.Val801Ala (NM_001195227.2); c.2492T>C, p.Val831Ala (NM_001321281.2); c.1229T>C, p.Val410Ala (NM_001321282.2); c.2315T>C, p.Val772Ala (NM_001321283.2); c.1775T>C, p.Val592Ala (NM_001321285.2); short protein forms V410A, V592A, V772A, V831A, V801A, V946A.
Identifiers: ClinVar variation 2062123 (VCV002062123.4), dbSNP rs2514203754, ClinGen allele CA406811818.
Genomic context (GRCh38, chr19:49,200,669, plus strand): 5'-AGATGAAGGACGTGTTCTTCTTCCTCTTCTTCCTCGGCGTGTGGCTGGTAGCCTATGGCG[T>C]GGCCACGGAGGGGCTCCTGAGGCCACGGGACAGTGACTTCCCAAGTATCCTGCGCCGCGT-3'
Protein context (NP_060106.2, residues 936-956): FLGVWLVAYG[Val946Ala]ATEGLLRPRD